The following is an entry in ClinVar:

ClinVar aggregate classification (germline): Uncertain significance. Review status: criteria provided, multiple submitters, no conflicts (2 of 4 stars). 4 submissions from 4 submitters: Uncertain significance (4). Last evaluated 2024-06-24.

Conditions:
Hereditary cancer-predisposing syndrome. Also called: Hereditary neoplastic syndrome; Hereditary Cancer Syndrome; Tumor predisposition; Neoplastic Syndromes, Hereditary. Identifiers: Orphanet 140162, MedGen C0027672, MeSH D009386, MONDO:0015356.
Basal cell carcinoma, susceptibility to, 1. Also called: BCC1. Identifiers: MedGen C2751544, MONDO:0011556, OMIM 605462.
Gorlin syndrome. Also called: Nevoid Basal Cell Carcinoma Syndrome; Basal cell nevus syndrome. Identifiers: Orphanet 377, MedGen C0004779, MONDO:0007187.

Submissions (4):

Labcorp Genetics (formerly Invitae), Labcorp
Classification: Uncertain significance for Gorlin syndrome. Last evaluated: 2024-06-24. Review status: criteria provided, single submitter. Criteria: Invitae Variant Classification Sherloc (09022015). Collection method: clinical testing. Allele origin: germline.
Comment: This sequence change replaces phenylalanine, which is neutral and non-polar, with leucine, which is neutral and non-polar, at codon 1264 of the PTCH1 protein (p.Phe1264Leu). This variant is not present in population databases (gnomAD no frequency). This variant has not been reported in the literature in individuals affected with PTCH1-related conditions. ClinVar contains an entry for this variant (Variation ID: 2430876). Advanced modeling of protein sequence and biophysical properties (such as structural, functional, and spatial information, amino acid conservation, physicochemical variation, residue mobility, and thermodynamic stability) performed at Invitae indicates that this missense variant is not expected to disrupt PTCH1 protein function with a negative predictive value of 95%. In summary, the available evidence is currently insufficient to determine the role of this variant in disease. Therefore, it has been classified as a Variant of Uncertain Significance.

Baylor Genetics
Classification: Uncertain significance for Basal cell carcinoma, susceptibility to, 1. Last evaluated: 2023-06-26. Review status: criteria provided, single submitter. Criteria: ACMG Guidelines, 2015. Collection method: clinical testing. Allele origin: unknown.

Ambry Genetics
Classification: Uncertain significance for Hereditary cancer-predisposing syndrome. Last evaluated: 2023-02-20. Review status: criteria provided, single submitter. Criteria: Ambry Variant Classification Scheme 2023. Collection method: clinical testing. Allele origin: germline.
Comment: The p.F1264L variant (also known as c.3792C>A), located in coding exon 22 of the PTCH1 gene, results from a C to A substitution at nucleotide position 3792. The phenylalanine at codon 1264 is replaced by leucine, an amino acid with highly similar properties. This amino acid position is conserved. In addition, this alteration is predicted to be deleterious by in silico analysis. Since supporting evidence is limited at this time, the clinical significance of this alteration remains unclear.

GeneDx
Classification: Uncertain significance. Last evaluated: 2022-08-18. Review status: criteria provided, single submitter. Criteria: GeneDx Variant Classification Process June 2021. Collection method: clinical testing. Allele origin: germline. Affected: yes.
Comment: Not observed at significant frequency in large population cohorts (gnomAD); In silico analysis supports that this missense variant does not alter protein structure/function; Has not been previously published as pathogenic or benign to our knowledge

NM_000264.5(PTCH1):c.3792C>A (p.Phe1264Leu)

Gene: PTCH1 (patched 1; minus strand). Cytogenetic location: 9q22.32.
Variant type: single nucleotide variant.
Coding change: c.3792C>A on transcript NM_000264.5 (MANE Select); coding-DNA position 3792, C replaced by A.
Protein change: p.Phe1264Leu; replaces phenylalanine 1264 with leucine.
Molecular consequence: missense variant. On other transcripts: non-coding transcript variant (1).
Genome position (GRCh38, 1-based): chr9:95,449,081, G>T on the plus strand (C>A on the coding strand, the complement: PTCH1 is on the minus strand). VCF-style: chr9-95449081-G-T. GRCh37 (hg19) VCF-style: chr9-98211363-G-T.
Other names: c.3594C>A, p.Phe1198Leu (NM_001083602.3); c.3789C>A, p.Phe1263Leu (NM_001083603.3); c.3339C>A, p.Phe1113Leu (NM_001083604.3, NM_001083605.3, NM_001083606.3 and 1 more transcripts); c.3636C>A, p.Phe1212Leu (NM_001354918.2); short protein forms F1113L, F1198L, F1212L, F1263L, F1264L.
Identifiers: ClinVar variation 2430876 (VCV002430876.7), dbSNP rs144312968, ClinGen allele CA374110926.